The following is an entry in ClinVar:

ClinVar aggregate classification (germline): Uncertain significance (1 of 4 stars; one submission).

Conditions:
Cardiac arrhythmia. Also called: Cardiac rhythm disease; Arrhythmia. Identifiers: MedGen C0003811, MONDO:0007263, HP:0011675.

Allele frequency attached by ClinVar (database versions not stated): gnomAD exomes below 0.00001.
gnomAD v4.1: 5 of 1,614,088 alleles (0.00031%); highest among the groups gnomAD compares: Non-Finnish European, 0.00042%; no homozygotes.

Submission:

Labcorp Genetics (formerly Invitae), Labcorp
Classification: Uncertain significance for Cardiac arrhythmia. Last evaluated: 2021-03-07. Review status: criteria provided, single submitter. Criteria: Invitae Variant Classification Sherloc (09022015). Collection method: clinical testing. Allele origin: germline.
Comment: In summary, the available evidence is currently insufficient to determine the role of this variant in disease. Therefore, it has been classified as a Variant of Uncertain Significance. Algorithms developed to predict the effect of missense changes on protein structure and function output the following: SIFT: "Tolerated"; PolyPhen-2: "Benign"; Align-GVGD: "Class C0". The threonine amino acid residue is found in multiple mammalian species, suggesting that this missense change does not adversely affect protein function. These predictions have not been confirmed by published functional studies and their clinical significance is uncertain. This variant has not been reported in the literature in individuals with RANGRF-related conditions. This variant is not present in population databases (ExAC no frequency). This sequence change replaces methionine with threonine at codon 20 of the RANGRF protein (p.Met20Thr). The methionine residue is weakly conserved and there is a moderate physicochemical difference between methionine and threonine.

NM_016492.5(RANGRF):c.59T>C (p.Met20Thr)

Genes: RANGRF (RAN guanine nucleotide release factor; plus strand), SLC25A35 (solute carrier family 25 member 35; minus strand). Cytogenetic location: 17p13.1.
Variant type: single nucleotide variant.
Coding change: c.59T>C on transcript NM_016492.5 (MANE Select); coding-DNA position 59, T replaced by C.
Protein change: p.Met20Thr; replaces methionine 20 with threonine.
Molecular consequence: missense variant. On other transcripts: 3 prime UTR variant (1), non-coding transcript variant (1), intron variant (1).
Genome position (GRCh38, 1-based): chr17:8,288,847, T>C. VCF-style: chr17-8288847-T-C. GRCh37 (hg19) VCF-style: chr17-8192165-T-C.
Other names: c.59T>C, p.Met20Thr (NM_001177801.2, NM_001177802.2, NM_001330127.2); c.*769A>G (NM_201520.3); c.*43-415A>G (NM_001320871.2); short protein forms M20T.
Identifiers: ClinVar variation 1430927 (VCV001430927.8), dbSNP rs900647124, ClinGen allele CA287553835.
Genomic context (GRCh38, chr17:8,288,847, plus strand): 5'-CCATGGAGCCCACGAGAGACTGCCCGCTGTTCGGGGGCGCCTTTTCCGCCATCCTCCCCA[T>C]GGGGGCCATTGACGTAAGGTGAGAAGGCCGGGGCGCCCAGGGGCGGCTGACTGGGTGGGT-3'
Protein context (NP_057576.2, residues 10-30): FGGAFSAILP[Met20Thr]GAIDVSDLRP